The following is an entry in ClinVar:

NM_004336.5(BUB1):c.766G>A (p.Ala256Thr)

Gene: BUB1 (BUB1 mitotic checkpoint serine/threonine kinase; minus strand). Cytogenetic location: 2q13.
Variant type: single nucleotide variant.
Coding change: c.766G>A on transcript NM_004336.5 (MANE Select); coding-DNA position 766, G replaced by A.
Protein change: p.Ala256Thr; replaces alanine 256 with threonine.
Molecular consequence: missense variant.
Genome position (GRCh38, 1-based): chr2:110,667,560, C>T on the plus strand (G>A on the coding strand, the complement: BUB1 is on the minus strand). VCF-style: chr2-110667560-C-T. GRCh37 (hg19) VCF-style: chr2-111425137-C-T.
Other names: c.706G>A, p.Ala236Thr (NM_001278616.2); c.766G>A, p.Ala256Thr (NM_001278617.2); short protein forms A236T, A256T.
Identifiers: ClinVar variation 1760066 (VCV001760066.3), dbSNP rs1481702236, ClinGen allele CA348217525.

ClinVar aggregate classification (germline): Uncertain significance (1 of 4 stars; one submission).

Allele frequency attached by ClinVar (database versions not stated): TOPMed below 0.00001.
gnomAD v4.1: 1 of 1,613,878 alleles (0.000062%); highest among the groups gnomAD compares: Admixed American, 0.0017%; no homozygotes.

Submission:

Ambry Genetics
Classification: Uncertain significance. Last evaluated: 2024-07-05. Review status: criteria provided, single submitter. Criteria: Ambry Variant Classification Scheme 2023. Collection method: clinical testing. Allele origin: germline.
Comment: The p.A256T variant (also known as c.766G>A), located in coding exon 8 of the BUB1 gene, results from a G to A substitution at nucleotide position 766. The alanine at codon 256 is replaced by threonine, an amino acid with similar properties. This amino acid position is conserved. In addition, the in silico prediction for this alteration is inconclusive. Since supporting evidence is limited at this time, the clinical significance of this alteration remains unclear.